The following is an entry in ClinVar:

ClinVar aggregate classification (germline): Uncertain significance (1 of 4 stars; one submission).

Submission:

GeneDx
Classification: Uncertain significance. Last evaluated: 2014-08-07. Review status: criteria provided, single submitter. Criteria: GeneDx Variant Classification (06012015). Collection method: clinical testing. Allele origin: germline. Affected: yes.
Comment: The M322T variant has not been published as a mutation, nor has it been reported as a benign polymorphism. The M322T variant is a non-conservative amino acid substitution, which is likely to impact secondary protein structure as these residues differ in polarity, charge, size and/or other properties. This substitution occurs at a position that is not conserved across species. In silico analysis is inconsistent in its predictions as to whether or not the variant is damaging to the protein structure/function. Therefore, based on the currently available information, it is unclear whether this variant is a pathogenic mutation or a rare benign variant.The variant is found in MITONUC-MITOP panel(s).

NM_005002.5(NDUFA9):c.965T>C (p.Met322Thr)

Gene: NDUFA9 (NADH:ubiquinone oxidoreductase subunit A9; plus strand). Cytogenetic location: 12p13.32.
Variant type: single nucleotide variant.
Coding change: c.965T>C on transcript NM_005002.5 (MANE Select); coding-DNA position 965, T replaced by C.
Protein change: p.Met322Thr; replaces methionine 322 with threonine.
Molecular consequence: missense variant.
Genome position (GRCh38, 1-based): chr12:4,686,939, T>C. VCF-style: chr12-4686939-T-C. GRCh37 (hg19) VCF-style: chr12-4796105-T-C.
Other names: short protein forms M322T.
Identifiers: ClinVar variation 214718 (VCV000214718.2), dbSNP rs863224086, ClinGen allele CA322613.